The following is an entry in ClinVar:

ClinVar aggregate classification (germline): Likely pathogenic. Review status: criteria provided, multiple submitters, no conflicts (2 of 4 stars). 2 submissions from 2 submitters: Likely pathogenic (2). Last evaluated 2025-12-12.

Conditions:
Warburg micro syndrome 1 (WARBM1). Identifiers: Orphanet 2510, MedGen C1838625, MONDO:0010822, OMIM 600118.

gnomAD v4.1: 2 of 1,613,804 alleles (0.00012%); highest among the groups gnomAD compares: Non-Finnish European, 0.000085%; no homozygotes.

Submissions (2):

Variantyx, Inc.
Classification: Likely pathogenic for Warburg micro syndrome 1. Last evaluated: 2025-12-12. Review status: criteria provided, single submitter. Criteria: Variantyx Assertion Criteria 2022. Collection method: clinical testing. Allele origin: germline. Inheritance: Autosomal recessive inheritance. Affected: yes.
Comment: This is a nonsynonymous variant in the RAB3GAP1 gene (OMIM: 602536). Pathogenic variants in this gene have been associated with autosomal recessive Warburg micro syndrome 1. The clinical symptoms reported for this individual are highly specific for autosomal recessive Warburg micro syndrome 1, which has a limited genetic etiology (PP4). Multiple computational algorithms predict a deleterious effect for this variant (REVEL score: 0.796) (PP3). This variant has a 0.0001% maximum allele frequency in non-founder control populations (PM2). Based on the current evidence, this variant is classified as likely pathogenic for autosomal recessive Warburg micro syndrome 1.

GeneDx
Classification: Likely pathogenic. Last evaluated: 2025-01-29. Review status: criteria provided, single submitter. Criteria: GeneDx Variant Classification Process June 2021. Collection method: clinical testing. Allele origin: germline. Affected: yes.
Comment: Not observed at significant frequency in large population cohorts (gnomAD); In silico analysis supports that this missense variant has a deleterious effect on protein structure/function; Has not been previously published as pathogenic or benign to our knowledge

NM_012233.3(RAB3GAP1):c.1379T>G (p.Leu460Arg)

Gene: RAB3GAP1 (RAB3 GTPase activating protein catalytic subunit 1; plus strand). Cytogenetic location: 2q21.3.
Variant type: single nucleotide variant.
Coding change: c.1379T>G on transcript NM_012233.3 (MANE Select); coding-DNA position 1379, T replaced by G.
Protein change: p.Leu460Arg; replaces leucine 460 with arginine.
Molecular consequence: missense variant.
Genome position (GRCh38, 1-based): chr2:135,133,913, T>G. VCF-style: chr2-135133913-T-G. GRCh37 (hg19) VCF-style: chr2-135891483-T-G.
Other names: c.1379T>G, p.Leu460Arg (NM_001172435.2); short protein forms L460R.
Identifiers: ClinVar variation 4072496 (VCV004072496.2).